The following is an entry in ClinVar:

ClinVar aggregate classification (germline): Uncertain significance (1 of 4 stars; one submission).

Conditions:
KBG syndrome (KBGS). Also called: ANKRD11-Related KBG Syndrome. Identifiers: Orphanet 2332, MedGen C0220687, MONDO:0007846, OMIM 148050.

Submission:

Labcorp Genetics (formerly Invitae), Labcorp
Classification: Uncertain significance for KBG syndrome. Last evaluated: 2023-10-04. Review status: criteria provided, single submitter. Criteria: Invitae Variant Classification Sherloc (09022015). Collection method: clinical testing. Allele origin: germline.
Comment: This variant, c.5777_5791del, results in the deletion of 5 amino acid(s) of the ANKRD11 protein (p.Pro1926_Tyr1930del), but otherwise preserves the integrity of the reading frame. This variant is present in population databases (rs760463786, gnomAD 0.04%). This variant has not been reported in the literature in individuals affected with ANKRD11-related conditions. Experimental studies and prediction algorithms are not available or were not evaluated, and the functional significance of this variant is currently unknown. In summary, the available evidence is currently insufficient to determine the role of this variant in disease. Therefore, it has been classified as a Variant of Uncertain Significance.

NM_013275.6(ANKRD11):c.5777_5791del (p.Pro1926_Tyr1930del)

Gene: ANKRD11 (ankyrin repeat domain 11; minus strand). Cytogenetic location: 16q24.3.
Variant type: Deletion.
Coding change: c.5777_5791del on transcript NM_013275.6 (MANE Select); coding-DNA positions 5777 to 5791, 15 bases deleted (CGGAGCCCAGCTACC).
Protein change: p.Pro1926_Tyr1930del.
Molecular consequence: inframe deletion.
Genome position (GRCh38, 1-based): chr16:89,280,751-89,280,765, GGTAGCTGGGCTCCG deleted on the plus strand (CGGAGCCCAGCTACC on the coding strand, the reverse complement: ANKRD11 is on the minus strand); deleting any 15 consecutive bases within chr16:89,280,751-89,280,767 gives the same sequence; the c. name uses the placement nearest the transcript's 3' end. VCF-style (leftmost placement, unchanged base first): chr16-89280750-AGGTAGCTGGGCTCCG-A. GRCh37 (hg19) VCF-style: chr16-89347158-AGGTAGCTGGGCTCCG-A.
Other names: c.5777_5791del, p.Pro1926_Tyr1930del (NM_001256182.2, NM_001256183.2).
Identifiers: ClinVar variation 2768077 (VCV002768077.3), dbSNP rs760463786, ClinGen allele CA8241720.